The following is an entry in ClinVar:

ClinVar aggregate classification (germline): Uncertain significance (1 of 4 stars; one submission).

Conditions:
HK1-related disorder. Also called: HK1-related condition; HK1-related disorders.

gnomAD v4.1: 11 of 1,613,772 alleles (0.00068%); highest among the groups gnomAD compares: South Asian, 0.0066%; no homozygotes.

Submission:

PreventionGenetics, part of Exact Sciences
Classification: Uncertain significance for HK1-related condition. Last evaluated: 2026-05-01. Review status: criteria provided, single submitter. Criteria: ACMG Guidelines, 2015. Collection method: clinical testing. Allele origin: germline.
Comment: The HK1 c.10A>T variant is predicted to result in the amino acid substitution p.Ile4Phe. To our knowledge, this variant has not been reported in the literature. This variant is reported in 0.0098% of alleles in individuals of South Asian descent in gnomAD. At this time, the clinical significance of this variant is uncertain due to the absence of conclusive functional and genetic evidence.

NM_001358263.1(HK1):c.10A>T (p.Ile4Phe)

Gene: HK1 (hexokinase 1; plus strand). Cytogenetic location: 10q22.1.
Variant type: single nucleotide variant.
Coding change: c.10A>T on transcript NM_001358263.1 (MANE Plus Clinical); coding-DNA position 10, A replaced by T.
Protein change: p.Ile4Phe; replaces isoleucine 4 with phenylalanine.
Molecular consequence: missense variant. On other transcripts: 5 prime UTR variant (1).
Genome position (GRCh38, 1-based): chr10:69,288,753, A>T. VCF-style: chr10-69288753-A-T. GRCh37 (hg19) VCF-style: chr10-71048509-A-T.
Other names: c.10A>T, p.Ile4Phe (NM_001322364.2, NM_001322365.2, NM_033497.3 and 1 more transcripts); c.-132A>T (NM_033500.2); short protein forms I4F.
Identifiers: ClinVar variation 4980467 (VCV004980467.1).